The following is an entry in ClinVar:

ClinVar aggregate classification (germline): Benign. Review status: criteria provided, multiple submitters, no conflicts (2 of 4 stars). 2 submissions from 2 submitters: Benign (2). Last evaluated 2018-01-12.

Conditions:
Leber congenital amaurosis 12 (LCA12). Identifiers: Orphanet 65, MedGen C1857743, MONDO:0012525, OMIM 610612.

Allele frequency attached by ClinVar (database versions not stated): gnomAD exomes 0.12294; gnomAD 0.18527 and 0.18548; TOPMed 0.19804; 1000 Genomes Project 0.24760; 1000 Genomes Project 30x 0.25187.
gnomAD v4.1: 29,693 of 165,138 alleles (18%); highest among the groups gnomAD compares: African/African-American, 32%; 3,442 homozygotes.

Submissions (2):

Illumina Laboratory Services, Illumina
Classification: Benign for Leber congenital amaurosis 12. Last evaluated: 2018-01-12. Review status: criteria provided, single submitter. Criteria: ICSL Variant Classification Criteria 13 December 2019. Collection method: clinical testing. Allele origin: germline.
Comment: This variant was observed in the ICSL laboratory as part of a predisposition screen in an ostensibly healthy population. It had not been previously curated by ICSL or reported in the Human Gene Mutation Database (HGMD: prior to June 1st, 2018), and was therefore a candidate for classification through an automated scoring system. Utilizing variant allele frequency, disease prevalence and penetrance estimates, and inheritance mode, an automated score was calculated to assess if this variant is too frequent to cause the disease. Based on the score and internal cut-off values, a variant classified as benign is not then subjected to further curation. The score for this variant resulted in a classification of benign for this disease.

Breakthrough Genomics
Classification: Benign. Review status: criteria provided, single submitter. Criteria: ACMG Guidelines, 2015. Collection method: not provided. Allele origin: germline. Inheritance: Autosomal recessive inheritance. Affected: yes.

NM_001164688.2(RD3):c.*1331G>A

Gene: RD3 (RD3 regulator of GUCY2D; minus strand). Cytogenetic location: 1q32.3.
Variant type: single nucleotide variant.
Coding change: c.*1331G>A on transcript NM_001164688.2 (MANE Select); 1331 bases downstream of the stop codon, G replaced by A.
Molecular consequence: 3 prime UTR variant.
Genome position (GRCh38, 1-based): chr1:211,477,705, C>T on the plus strand (G>A on the coding strand, the complement: RD3 is on the minus strand). VCF-style: chr1-211477705-C-T. GRCh37 (hg19) VCF-style: chr1-211651047-C-T.
Other names: c.*1331G>A (NM_183059.3).
Identifiers: ClinVar variation 295239 (VCV000295239.6), dbSNP rs11119747, ClinGen allele CA10609701.
Genomic context (GRCh38, chr1:211,477,705, plus strand): 5'-TCAAGTGAAAATCCAAAAAAACTTCAAAAGGGAAGTTCAAAACCAAATCATTCAAAAAAA[C>T]TTTTTTCCACTGAGGGAATACACACTTTTCCCCCCTGTTGATTATATCTCCTCCGGGTAT-3'